The following is an entry in ClinVar:

NM_003722.5(TP63):c.1985A>G (p.Asn662Ser)

Gene: TP63 (tumor protein p63; plus strand). Cytogenetic location: 3q28.
Variant type: single nucleotide variant.
Coding change: c.1985A>G on transcript NM_003722.5 (MANE Select); coding-DNA position 1985, A replaced by G.
Protein change: p.Asn662Ser; replaces asparagine 662 with serine.
Molecular consequence: missense variant. On other transcripts: 3 prime UTR variant (6).
Genome position (GRCh38, 1-based): chr3:189,894,444, A>G. VCF-style: chr3-189894444-A-G. GRCh37 (hg19) VCF-style: chr3-189612233-A-G.
Other names: c.*223A>G (NM_001114978.2, NM_001114981.2); c.1703A>G, p.Asn568Ser (NM_001114980.2); c.*213A>G (NM_001329144.2, NM_001329145.2, NM_001329149.2 and 1 more transcripts); c.1448A>G, p.Asn483Ser (NM_001329146.2); c.1973A>G, p.Asn658Ser (NM_001329148.2); c.1979A>G, p.Asn660Ser (NM_001329964.2); short protein forms N568S, N660S, N483S, N658S, N662S.
Identifiers: ClinVar variation 2858088 (VCV002858088.2), dbSNP rs761624304, ClinGen allele CA2752604.
Genomic context (GRCh38, chr3:189,894,444, plus strand): 5'-TGCGATTCACCCTCCGCCAGACCATCTCTTTCCCACCCCGAGATGAGTGGAATGACTTCA[A>G]CTTTGACATGGATGCTCGCCGCAATAAGCAACAGCGCATCAAAGAGGAGGGGGAGTGAGC-3'
Protein context (NP_003713.3, residues 652-672): FPPRDEWNDF[Asn662Ser]FDMDARRNKQ

ClinVar aggregate classification (germline): Uncertain significance (1 of 4 stars; one submission).

Conditions:
TP63-Related Spectrum Disorders.

Allele frequency attached by ClinVar (database versions not stated): gnomAD exomes 0.00001; ExAC 0.00002.
gnomAD v4.1: 3 of 1,614,068 alleles (0.00019%); highest among the groups gnomAD compares: East Asian, 0.0045%; no homozygotes.

Submission:

Labcorp Genetics (formerly Invitae), Labcorp
Classification: Uncertain significance. Last evaluated: 2024-08-08. Review status: criteria provided, single submitter. Criteria: Invitae Variant Classification Sherloc (09022015). Collection method: clinical testing. Allele origin: germline.
Comment: This sequence change replaces asparagine, which is neutral and polar, with serine, which is neutral and polar, at codon 662 of the TP63 protein (p.Asn662Ser). This variant is present in population databases (rs761624304, gnomAD 0.01%). This variant has not been reported in the literature in individuals affected with TP63-related conditions. Advanced modeling of protein sequence and biophysical properties (such as structural, functional, and spatial information, amino acid conservation, physicochemical variation, residue mobility, and thermodynamic stability) has been performed at Invitae for this missense variant, however the output from this modeling did not meet the statistical confidence thresholds required to predict the impact of this variant on TP63 protein function. In summary, the available evidence is currently insufficient to determine the role of this variant in disease. Therefore, it has been classified as a Variant of Uncertain Significance.